The following is an entry in ClinVar:

ClinVar aggregate classification (germline): Pathogenic (1 of 4 stars; one submission).

Submission:

Labcorp Genetics (formerly Invitae), Labcorp
Classification: Pathogenic. Last evaluated: 2023-09-12. Review status: criteria provided, single submitter. Criteria: Invitae Variant Classification Sherloc (09022015). Collection method: clinical testing. Allele origin: germline.
Comment: An algorithm developed to predict the effect of missense changes on protein structure and function (PolyPhen-2) suggests that this variant is likely to be disruptive. This sequence change replaces glycine, which is neutral and non-polar, with aspartic acid, which is acidic and polar, at codon 1245 of the COL4A1 protein (p.Gly1245Asp). This variant is not present in population databases (gnomAD no frequency). This missense change has been observed in individual(s) with clinical features of COL4A1-related conditions (Invitae). In at least one individual the variant was observed to be de novo. This variant disrupts the triple helix domain of COL4A1. Glycine residues within the Gly-Xaa-Yaa repeats of the triple helix domain are required for the structure and stability of fibrillar collagens (PMID: 7695699, 8218237, 19344236). In COL4A1 variants affecting these glycine residues are significantly enriched in individuals with disease (PMID: 9016532, 17078022) compared to the general population (ExAC). For these reasons, this variant has been classified as Pathogenic.

Literature cited by the submitters: PubMed 7695699; PubMed 8218237; PubMed 19344236; PubMed 9016532; PubMed 17078022.

NM_001845.6(COL4A1):c.3734G>A (p.Gly1245Asp)

Gene: COL4A1 (collagen type IV alpha 1 chain; minus strand). Cytogenetic location: 13q34.
Variant type: single nucleotide variant.
Coding change: c.3734G>A on transcript NM_001845.6 (MANE Select); coding-DNA position 3734, G replaced by A.
Protein change: p.Gly1245Asp; replaces glycine 1245 with aspartic acid.
Molecular consequence: missense variant.
Genome position (GRCh38, 1-based): chr13:110,170,555, C>T on the plus strand (G>A on the coding strand, the complement: COL4A1 is on the minus strand). VCF-style: chr13-110170555-C-T. GRCh37 (hg19) VCF-style: chr13-110822902-C-T.
Other names: short protein forms G1245D.
Identifiers: ClinVar variation 2861707 (VCV002861707.3), dbSNP rs2501761313, ClinGen allele CA388662232.
Genomic context (GRCh38, chr13:110,170,555, plus strand): 5'-TTGTGAATTCTGTCCCAGTCCTCAGCCCTGGCCCCTGGCGAGATGCCCTTACCTGGCAGG[C>T]CAGGCTGGCCCTGAGGTCCGCGGTCTCCTTTGGGCCCCTCCGTGGCATGGCCTGGGGATC-3'
Protein context (NP_001836.3, residues 1235-1255): KGDRGPQGQP[Gly1245Asp]LPGLPGPMGP